The following is an entry in ClinVar:

ClinVar aggregate classification (germline): Uncertain significance. Review status: criteria provided, single submitter (1 of 4 stars). 2 submissions from 2 submitters: Uncertain significance (1). 1 of the submissions does not count toward it. Last evaluated 2022-08-15.

Conditions:
Autosomal recessive limb-girdle muscular dystrophy type 2B (LGMDR2). Also called: MUSCULAR DYSTROPHY, LIMB-GIRDLE, TYPE 3; MUSCULAR DYSTROPHY, LIMB-GIRDLE, AUTOSOMAL RECESSIVE 2; Limb-Girdle Muscular Dystrophy Type 2B (LGMD2B); Limb-girdle muscular dystrophy, type 2B. Identifiers: Orphanet 268, MedGen C1850889, MONDO:0009676, OMIM 253601.
Neuromuscular disease caused by qualitative or quantitative defects of dysferlin. Also called: Qualitative or quantitative defects of dysferlin; Dysferlinopathy. Identifiers: Orphanet 207073, MedGen C2931687, MONDO:0016145.

Allele frequency attached by ClinVar (database versions not stated): gnomAD 0.00001; TOPMed 0.00001.
gnomAD v4.1: 2 of 1,614,010 alleles (0.00012%); highest among the groups gnomAD compares: Non-Finnish European, 0.000085%; no homozygotes.

Submissions (2):

Labcorp Genetics (formerly Invitae), Labcorp
Classification: Uncertain significance for Neuromuscular disease caused by qualitative or quantitative defects of dysferlin. Last evaluated: 2022-08-15. Review status: criteria provided, single submitter. Criteria: Invitae Variant Classification Sherloc (09022015). Collection method: clinical testing. Allele origin: germline.
Comment: This sequence change replaces aspartic acid, which is acidic and polar, with glycine, which is neutral and non-polar, at codon 985 of the DYSF protein (p.Asp985Gly). This variant is not present in population databases (gnomAD no frequency). This missense change has been observed in individual(s) with clinical features of DYSF-related conditions (Invitae). ClinVar contains an entry for this variant (Variation ID: 999491). Algorithms developed to predict the effect of missense changes on protein structure and function are either unavailable or do not agree on the potential impact of this missense change (SIFT: "Deleterious"; PolyPhen-2: "Probably Damaging"; Align-GVGD: "Class C0"). In summary, the available evidence is currently insufficient to determine the role of this variant in disease. Therefore, it has been classified as a Variant of Uncertain Significance.

Natera, Inc.
Classification: Uncertain significance for Limb-girdle muscular dystrophy type 2B. Last evaluated: 2021-03-29. Review status: no assertion criteria provided. Collection method: clinical testing. Allele origin: germline. Not counted in ClinVar's aggregate classification.

NM_001130987.2(DYSF):c.3008A>G (p.Asp1003Gly)

Gene: DYSF (dysferlin; plus strand). Cytogenetic location: 2p13.2.
Variant type: single nucleotide variant.
Coding change: c.3008A>G on transcript NM_001130987.2 (MANE Select); coding-DNA position 3008, A replaced by G.
Protein change: p.Asp1003Gly; replaces aspartic acid 1003 with glycine.
Molecular consequence: missense variant.
Genome position (GRCh38, 1-based): chr2:71,570,257, A>G. VCF-style: chr2-71570257-A-G. GRCh37 (hg19) VCF-style: chr2-71797387-A-G.
Other names: c.2957A>G, p.Asp986Gly (NM_001130455.2, NM_001130983.2); c.2912A>G, p.Asp971Gly (NM_001130976.2, NM_001130977.2); c.2954A>G, p.Asp985Gly (NM_001130978.2, NM_003494.4); c.3047A>G, p.Asp1016Gly (NM_001130979.2); c.3005A>G, p.Asp1002Gly (NM_001130980.2, NM_001130981.2); c.3050A>G, p.Asp1017Gly (NM_001130982.2); c.2915A>G, p.Asp972Gly (NM_001130984.2, NM_001130986.2); c.3008A>G, p.Asp1003Gly (NM_001130985.2); short protein forms D1002G, D1003G, D1016G, D1017G, D971G, D972G, D985G, D986G.
Identifiers: ClinVar variation 999491 (VCV000999491.7), dbSNP rs1574058921, ClinGen allele CA347216427.